The following is an entry in ClinVar:

ClinVar aggregate classification (germline): Benign (0 of 4 stars; one submission).

Conditions:
MYT1-related disorder. Also called: MYT1-related condition.

Allele frequency attached by ClinVar (database versions not stated): TOPMed 0.03404; ESP Exome Variant Server 0.03483; gnomAD 0.03501; 1000 Genomes Project 30x 0.03716; 1000 Genomes Project 0.03734.
gnomAD v4.1: 78,411 of 1,613,916 alleles (4.9%); highest among the groups gnomAD compares: South Asian, 11%; 2,361 homozygotes.

Submission:

PreventionGenetics, part of Exact Sciences
Classification: Benign for MYT1-related condition. Last evaluated: 2019-11-20. Review status: no assertion criteria provided. Collection method: clinical testing. Allele origin: germline.
Comment: This variant is classified as benign based on ACMG/AMP sequence variant interpretation guidelines (Richards et al. 2015 PMID: 25741868, with internal and published modifications).

NM_004535.3(MYT1):c.1161G>C (p.Leu387=)

Gene: MYT1 (myelin transcription factor 1; plus strand). Cytogenetic location: 20q13.33.
Variant type: single nucleotide variant.
Coding change: c.1161G>C on transcript NM_004535.3 (MANE Select); coding-DNA position 1161, G replaced by C.
Protein change: p.Leu387=; no amino-acid change (leucine 387 retained).
Molecular consequence: synonymous variant.
Genome position (GRCh38, 1-based): chr20:64,208,357, G>C. VCF-style: chr20-64208357-G-C. GRCh37 (hg19) VCF-style: chr20-62839710-G-C.
Identifiers: ClinVar variation 3038108 (VCV003038108.2), dbSNP rs61746505, ClinGen allele CA9974780.